The following is an entry in ClinVar:

ClinVar aggregate classification (germline): Uncertain significance (1 of 4 stars; one submission).

Conditions:
Hypertrophic cardiomyopathy 14. Identifiers: MedGen C2750467, MONDO:0013197, OMIM 613251.

Submission:

Labcorp Genetics (formerly Invitae), Labcorp
Classification: Uncertain significance for Hypertrophic cardiomyopathy 14. Last evaluated: 2020-02-20. Review status: criteria provided, single submitter. Criteria: Invitae Variant Classification Sherloc (09022015). Collection method: clinical testing. Allele origin: germline.
Comment: In summary, the available evidence is currently insufficient to determine the role of this variant in disease. Therefore, it has been classified as a Variant of Uncertain Significance. Algorithms developed to predict the effect of missense changes on protein structure and function (SIFT, PolyPhen-2, Align-GVGD) all suggest that this variant is likely to be tolerated, but these predictions have not been confirmed by published functional studies and their clinical significance is uncertain. This variant has not been reported in the literature in individuals with MYH6-related conditions. This variant is not present in population databases (ExAC no frequency). This sequence change replaces isoleucine with valine at codon 675 of the MYH6 protein (p.Ile675Val). The isoleucine residue is weakly conserved and there is a small physicochemical difference between isoleucine and valine.

NM_002471.4(MYH6):c.2023A>G (p.Ile675Val)

Gene: MYH6 (myosin heavy chain 6; minus strand). Cytogenetic location: 14q11.2.
Variant type: single nucleotide variant.
Coding change: c.2023A>G on transcript NM_002471.4 (MANE Select); coding-DNA position 2023, A replaced by G.
Protein change: p.Ile675Val; replaces isoleucine 675 with valine.
Molecular consequence: missense variant.
Genome position (GRCh38, 1-based): chr14:23,397,197, T>C on the plus strand (A>G on the coding strand, the complement: MYH6 is on the minus strand). VCF-style: chr14-23397197-T-C. GRCh37 (hg19) VCF-style: chr14-23866406-T-C.
Other names: short protein forms I675V.
Identifiers: ClinVar variation 1047380 (VCV001047380.8), dbSNP rs1891424644, ClinGen allele CA389019286.